The following is an entry in ClinVar:

NM_000548.5(TSC2):c.2435_2545+153delinsTC

Gene: TSC2 (TSC complex subunit 2; plus strand). Cytogenetic location: 16p13.3.
Variant type: Indel.
Coding change: c.2435_2545+153delinsTC on transcript NM_000548.5 (MANE Select); coding-DNA position 2435 through 153 bases into the intron after coding-DNA position 2545, the reference bases replaced by TC.
Molecular consequence: splice donor variant.
Genome position (GRCh38, 1-based): chr16:2,074,279-2,074,542, 264 bases replaced. GRCh37 (hg19): chr16:2,124,280-2,124,543.
Other names: c.1835_1945+153delinsTC (NM_001406688.1, NM_001406686.1, NM_001406680.1 and 6 more transcripts); c.2378_2488+153delinsTC (NM_001406677.1); c.2288_2398+153delinsTC (NM_001406675.1, NM_001406676.1, NM_001318829.2 and 1 more transcripts); c.2468_2578+153delinsTC (NM_001318832.2); c.1091_1201+153delinsTC (NM_001406693.1, NM_001406689.1, NM_001406690.1 and 6 more transcripts); c.2525_2635+153delinsTC (NM_001406667.1, NM_001406668.1); c.833_943+153delinsTC (NM_001406698.1); c.2435_2545+153delinsTC (NM_001114382.3, NM_001406663.1, NM_001406664.1 and 6 more transcripts); and 3 more.
Identifiers: ClinVar variation 2704288 (VCV002704288.3), dbSNP rs2543818721, ClinGen allele CA2697549497.

ClinVar aggregate classification (germline): Pathogenic (1 of 4 stars; one submission).

Conditions:
Tuberous sclerosis 2 (TSC2). Identifiers: Orphanet 805, MedGen C1860707, MONDO:0013199, OMIM 613254.

Submission:

Labcorp Genetics (formerly Invitae), Labcorp
Classification: Pathogenic for Tuberous sclerosis 2. Last evaluated: 2023-12-19. Review status: criteria provided, single submitter. Criteria: Invitae Variant Classification Sherloc (09022015). Collection method: clinical testing. Allele origin: germline.
Comment: This variant results in the deletion of part of exon 22 (c.2435_2545+153delinsTC) of the TSC2 gene. It is expected to disrupt RNA splicing. Variants that disrupt the donor or acceptor splice site typically lead to a loss of protein function (PMID: 16199547), and loss-of-function variants in TSC2 are known to be pathogenic (PMID: 10205261, 17304050). This variant is not present in population databases (gnomAD no frequency). This variant has been observed in individual(s) with tuberous sclerosis complex (Invitae). For these reasons, this variant has been classified as Pathogenic.

Literature cited by the submitters: PubMed 16199547; PubMed 10205261; PubMed 17304050.